The following is an entry in ClinVar:

ClinVar aggregate classification (germline): Uncertain significance (1 of 4 stars; one submission).

Conditions:
Cardiovascular phenotype. Identifiers: MedGen CN230736.

Submission:

Ambry Genetics
Classification: Uncertain significance for Cardiovascular phenotype. Last evaluated: 2016-09-27. Review status: criteria provided, single submitter. Criteria: Ambry Variant Classification Scheme 2023. Collection method: clinical testing. Allele origin: germline.
Comment: The p.S1765T variant (also known as c.5293T>A), located in coding exon 21 of the AKAP9 gene, results from a T to A substitution at nucleotide position 5293. The serine at codon 1765 is replaced by threonine, an amino acid with similar properties. This variant was not reported in population-based cohorts in the following databases: Database of Single Nucleotide Polymorphisms (dbSNP), Exome Aggregation Consortium (ExAC), NHLBI Exome Sequencing Project (ESP), and 1000 Genomes Project. In the ESP, this variant was not observed in 6503 samples (13006 alleles) with coverage at this position. This amino acid position is not well conserved in available vertebrate species, and threonine is the reference amino acid in other vertebrate species. In addition, this alteration is predicted to be tolerated by in silico analysis. Since supporting evidence is limited at this time, the clinical significance of this alteration remains unclear.

NM_005751.5(AKAP9):c.5293T>A (p.Ser1765Thr)

Gene: AKAP9 (A-kinase anchoring protein 9; plus strand). Cytogenetic location: 7q21.2.
Variant type: single nucleotide variant.
Coding change: c.5293T>A on transcript NM_005751.5 (MANE Select); coding-DNA position 5293, T replaced by A.
Protein change: p.Ser1765Thr; replaces serine 1765 with threonine.
Molecular consequence: missense variant.
Genome position (GRCh38, 1-based): chr7:92,045,138, T>A. VCF-style: chr7-92045138-T-A. GRCh37 (hg19) VCF-style: chr7-91674452-T-A.
Other names: c.5293T>A, p.Ser1765Thr (NM_147185.3); short protein forms S1765T.
Identifiers: ClinVar variation 519333 (VCV000519333.5), dbSNP rs1554430832, ClinGen allele CA368130740.